The following is an entry in ClinVar:

NM_014921.5(ADGRL1):c.3097C>A (p.Pro1033Thr)

Genes: ADGRL1 (adhesion G protein-coupled receptor L1; minus strand), ADGRL1-AS1 (ADGRL1 antisense RNA 1; plus strand). Cytogenetic location: 19p13.12.
Variant type: single nucleotide variant.
Coding change: c.3097C>A on transcript NM_014921.5 (MANE Select); coding-DNA position 3097, C replaced by A.
Protein change: p.Pro1033Thr; replaces proline 1033 with threonine.
Molecular consequence: missense variant.
Genome position (GRCh38, 1-based): chr19:14,156,138, G>T on the plus strand (C>A on the coding strand, the complement: ADGRL1 is on the minus strand). VCF-style: chr19-14156138-G-T. GRCh37 (hg19) VCF-style: chr19-14266950-G-T.
Other names: c.3112C>A, p.Pro1038Thr (NM_001008701.3); short protein forms P1038T, P1033T.
Identifiers: ClinVar variation 5003189 (VCV005003189.1).

ClinVar aggregate classification (germline): Uncertain significance (1 of 4 stars; one submission).

Conditions:
Developmental delay, behavioral abnormalities, and neuropsychiatric disorders (DEDBANP). Identifiers: MedGen C5774224, MONDO:0859292, OMIM 620065.

Submission:

OLLIN Analises Genomicas, OLLIN
Classification: Uncertain significance for Developmental delay, behavioral abnormalities, and neuropsychiatric disorders. Last evaluated: 2026-08-06. Review status: criteria provided, single submitter. Criteria: ACMG Guidelines 2015 PMID 25741868. Collection method: clinical testing. Allele origin: germline. Inheritance: Autosomal dominant inheritance.
Comment: This missense variant, located in exon 17 (of 23), is absent from gnomAD and ClinVar and has not been identified in the literature. In silico analysis is inconclusive regarding the impact of this variant. This gene is constrained for missense variation. According to the currently available evidence, this variant has been classified as uncertain significance (PM2_P, PP2).